The following is an entry in ClinVar:

ClinVar aggregate classification (germline): Uncertain significance. Review status: criteria provided, multiple submitters, no conflicts (2 of 4 stars). 2 submissions from 2 submitters: Uncertain significance (2). Last evaluated 2026-05-07.

Conditions:
Inborn genetic diseases. Identifiers: MedGen C0950123, MeSH D030342.

Submissions (2):

Ambry Genetics
Classification: Uncertain significance for Inborn genetic diseases. Last evaluated: 2026-05-07. Review status: criteria provided, single submitter. Criteria: Ambry Variant Classification Scheme 2023. Collection method: clinical testing. Allele origin: germline.
Comment: The c.2524C>T (p.R842W) alteration is located in exon 21 (coding exon 20) of the MYH9 gene. This alteration results from a C to T substitution at nucleotide position 2524, causing the arginine (R) at amino acid position 842 to be replaced by a tryptophan (W). This variant was not reported in population-based cohorts in the Genome Aggregation Database (gnomAD). This amino acid position is highly conserved in available vertebrate species. This missense variant is located in a region that has a low rate of benign missense variation (Lek, 2016; Firth, 2009). This alteration is predicted to be deleterious by in silico analysis. Based on insufficient or conflicting evidence, the clinical significance of this alteration remains unclear.

Labcorp Genetics (formerly Invitae), Labcorp
Classification: Uncertain significance. Last evaluated: 2025-05-07. Review status: criteria provided, single submitter. Criteria: Invitae Variant Classification Sherloc (09022015). Collection method: clinical testing. Allele origin: germline.
Comment: This sequence change replaces arginine, which is basic and polar, with tryptophan, which is neutral and slightly polar, at codon 842 of the MYH9 protein (p.Arg842Trp). This variant is not present in population databases (gnomAD no frequency). This variant has not been reported in the literature in individuals affected with MYH9-related conditions. Invitae Evidence Modeling of protein sequence and biophysical properties (such as structural, functional, and spatial information, amino acid conservation, physicochemical variation, residue mobility, and thermodynamic stability) has been performed for this missense variant. However, the output from this modeling did not meet the statistical confidence thresholds required to predict the impact of this variant on MYH9 protein function. In summary, the available evidence is currently insufficient to determine the role of this variant in disease. Therefore, it has been classified as a Variant of Uncertain Significance.

NM_002473.6(MYH9):c.2524C>T (p.Arg842Trp)

Gene: MYH9 (myosin heavy chain 9; minus strand). Cytogenetic location: 22q12.3.
Variant type: single nucleotide variant.
Coding change: c.2524C>T on transcript NM_002473.6 (MANE Select); coding-DNA position 2524, C replaced by T.
Protein change: p.Arg842Trp; replaces arginine 842 with tryptophan.
Molecular consequence: missense variant.
Genome position (GRCh38, 1-based): chr22:36,301,641, G>A on the plus strand (C>T on the coding strand, the complement: MYH9 is on the minus strand). VCF-style: chr22-36301641-G-A. GRCh37 (hg19) VCF-style: chr22-36697687-G-A.
Other names: c.2524C>T (NM_002473.4); short protein forms R842W.
Identifiers: ClinVar variation 4775805 (VCV004775805.2).